The following is an entry in ClinVar:

NM_000246.4(CIITA):c.1381G>C (p.Asp461His)

Gene: CIITA (class II major histocompatibility complex transactivator; plus strand). Cytogenetic location: 16p13.13.
Variant type: single nucleotide variant.
Coding change: c.1381G>C on transcript NM_000246.4 (MANE Select); coding-DNA position 1381, G replaced by C.
Protein change: p.Asp461His; replaces aspartic acid 461 with histidine.
Molecular consequence: missense variant. On other transcripts: intron variant (1).
Genome position (GRCh38, 1-based): chr16:10,906,873, G>C. VCF-style: chr16-10906873-G-C. GRCh37 (hg19) VCF-style: chr16-11000730-G-C.
Other names: c.1384G>C, p.Asp462His (NM_001286402.1, NM_001379332.1); c.1237G>C, p.Asp413His (NM_001379330.1); c.1234G>C, p.Asp412His (NM_001379331.1); c.1381G>C, p.Asp461His (NM_001379333.1); c.1312G>C, p.Asp438His (NM_001379334.1); c.859+2061G>C (NM_001286403.2); short protein forms D412H, D438H, D461H, D462H, D413H.
Identifiers: ClinVar variation 1936227 (VCV001936227.2), dbSNP rs2039198270, ClinGen allele CA394730451.
Genomic context (GRCh38, chr16:10,906,873, plus strand): 5'-CGGCTTCCCCAGTACGACTTTGTCTTCTCTGTCCCCTGCCATTGCTTGAACCGTCCGGGG[G>C]ATGCCTATGGCCTGCAGGATCTGCTCTTCTCCCTGGGCCCACAGCCACTCGTGGCGGCCG-3'
Protein context (NP_000237.2, residues 451-471): VPCHCLNRPG[Asp461His]AYGLQDLLFS

ClinVar aggregate classification (germline): Uncertain significance (1 of 4 stars; one submission).

Conditions:
MHC class II deficiency. Also called: Bare lymphocyte syndrome 2; BLS, TYPE II. Identifiers: Orphanet 572, MedGen C5447452, MONDO:0008855.

Submission:

Labcorp Genetics (formerly Invitae), Labcorp
Classification: Uncertain significance for MHC class II deficiency. Last evaluated: 2021-09-01. Review status: criteria provided, single submitter. Criteria: Invitae Variant Classification Sherloc (09022015). Collection method: clinical testing. Allele origin: germline.
Comment: This sequence change replaces aspartic acid with histidine at codon 461 of the CIITA protein (p.Asp461His). The aspartic acid residue is weakly conserved and there is a moderate physicochemical difference between aspartic acid and histidine. This variant is not present in population databases (ExAC no frequency). This variant has not been reported in the literature in individuals affected with CIITA-related conditions. Algorithms developed to predict the effect of missense changes on protein structure and function are either unavailable or do not agree on the potential impact of this missense change (SIFT: "Tolerated"; PolyPhen-2: "Possibly Damaging"; Align-GVGD: "Class C0"). In summary, the available evidence is currently insufficient to determine the role of this variant in disease. Therefore, it has been classified as a Variant of Uncertain Significance.